The following is an entry in ClinVar:

ClinVar aggregate classification (germline): Uncertain significance. Review status: criteria provided, multiple submitters, no conflicts (2 of 4 stars). 3 submissions from 3 submitters: Uncertain significance (3). Last evaluated 2025-03-27.

Conditions:
Inborn genetic diseases. Identifiers: MedGen C0950123, MeSH D030342.

Allele frequency attached by ClinVar (database versions not stated): gnomAD 0.00001; gnomAD exomes 0.00001 and 0.00002.
gnomAD v4.1: 31 of 1,613,696 alleles (0.0019%); highest among the groups gnomAD compares: Non-Finnish European, 0.0025%; no homozygotes.

Submissions (3):

Labcorp Genetics (formerly Invitae), Labcorp
Classification: Uncertain significance. Last evaluated: 2025-03-27. Review status: criteria provided, single submitter. Criteria: Invitae Variant Classification Sherloc (09022015). Collection method: clinical testing. Allele origin: germline.
Comment: This sequence change replaces proline, which is neutral and non-polar, with leucine, which is neutral and non-polar, at codon 51 of the PROM1 protein (p.Pro51Leu). This variant is present in population databases (no rsID available, gnomAD 0.002%). This variant has not been reported in the literature in individuals affected with PROM1-related conditions. ClinVar contains an entry for this variant (Variation ID: 1512516). Invitae Evidence Modeling of protein sequence and biophysical properties (such as structural, functional, and spatial information, amino acid conservation, physicochemical variation, residue mobility, and thermodynamic stability) has been performed for this missense variant. However, the output from this modeling did not meet the statistical confidence thresholds required to predict the impact of this variant on PROM1 protein function. In summary, the available evidence is currently insufficient to determine the role of this variant in disease. Therefore, it has been classified as a Variant of Uncertain Significance.

Ambry Genetics
Classification: Uncertain significance for Inborn genetic diseases. Last evaluated: 2024-12-11. Review status: criteria provided, single submitter. Criteria: Ambry Variant Classification Scheme 2023. Collection method: clinical testing. Allele origin: germline.

Blueprint Genetics
Classification: Uncertain significance. Last evaluated: 2022-12-15. Review status: criteria provided, single submitter. Criteria: ACMG Guidelines, 2015. Collection method: clinical testing. Allele origin: germline.

NM_006017.3(PROM1):c.152C>T (p.Pro51Leu)

Gene: PROM1 (prominin 1; minus strand). Cytogenetic location: 4p15.32.
Variant type: single nucleotide variant.
Coding change: c.152C>T on transcript NM_006017.3 (MANE Select); coding-DNA position 152, C replaced by T.
Protein change: p.Pro51Leu; replaces proline 51 with leucine.
Molecular consequence: missense variant.
Genome position (GRCh38, 1-based): chr4:16,075,755, G>A on the plus strand (C>T on the coding strand, the complement: PROM1 is on the minus strand). VCF-style: chr4-16075755-G-A. GRCh37 (hg19) VCF-style: chr4-16077378-G-A.
Other names: c.152C>T, p.Pro51Leu (NM_001145847.2, NM_001145848.2, NM_001145849.2 and 6 more transcripts); c.152C>T (NM_006017.2); short protein forms P51L.
Identifiers: ClinVar variation 1512516 (VCV001512516.10), dbSNP rs1174298048, ClinGen allele CA356437840.